The following is an entry in ClinVar:

NM_001128225.3(SLC39A13):c.270C>T (p.Pro90=)

Gene: SLC39A13 (solute carrier family 39 member 13; plus strand). Cytogenetic location: 11p11.2.
Variant type: single nucleotide variant.
Coding change: c.270C>T on transcript NM_001128225.3 (MANE Select); coding-DNA position 270, C replaced by T.
Protein change: p.Pro90=; no amino-acid change (proline 90 retained).
Molecular consequence: synonymous variant. On other transcripts: non-coding transcript variant (1).
Genome position (GRCh38, 1-based): chr11:47,410,364, C>T. VCF-style: chr11-47410364-C-T. GRCh37 (hg19) VCF-style: chr11-47431915-C-T.
Other names: c.270C>T, p.Pro90= (NM_001330245.2, NM_152264.5).
Identifiers: ClinVar variation 511837 (VCV000511837.1), dbSNP rs1291377563, ClinGen allele CA474430189.

ClinVar aggregate classification (germline): Likely benign (1 of 4 stars; one submission).

Allele frequency attached by ClinVar (database versions not stated): TOPMed below 0.00001; gnomAD exomes below 0.00001.
gnomAD v4.1: 1 of 1,614,082 alleles (0.000062%); highest among the groups gnomAD compares: South Asian, 0.0011%; no homozygotes.

Submission:

GeneDx
Classification: Likely benign. Last evaluated: 2017-09-05. Review status: criteria provided, single submitter. Criteria: GeneDx Variant Classification (06012015). Collection method: clinical testing. Allele origin: germline. Affected: yes.
Comment: This variant is considered likely benign or benign based on one or more of the following criteria: it is a conservative change, it occurs at a poorly conserved position in the protein, it is predicted to be benign by multiple in silico algorithms, and/or has population frequency not consistent with disease.